The following is an entry in ClinVar:

NM_020297.4(ABCC9):c.4512+16C>T

Genes: KCNJ8-AS1 (KCNJ8 antisense RNA 1; plus strand), ABCC9 (ATP binding cassette subfamily C member 9; minus strand). Cytogenetic location: 12p12.1.
Variant type: single nucleotide variant.
Coding change: c.4512+16C>T on transcript NM_020297.4 (MANE Select); 16 bases into the intron after coding-DNA position 4512, C replaced by T.
Molecular consequence: intron variant.
Genome position (GRCh38, 1-based): chr12:21,805,982, G>A on the plus strand (C>T on the coding strand, the complement: ABCC9 is on the minus strand). VCF-style: chr12-21805982-G-A. GRCh37 (hg19) VCF-style: chr12-21958916-G-A.
Other names: c.3645+16C>T (NM_001377274.1); c.4512+16C>T (NM_005691.4, NM_001377273.1).
Identifiers: ClinVar variation 377416 (VCV000377416.18), dbSNP rs376147813, ClinGen allele CA6480837.

ClinVar aggregate classification (germline): Benign/Likely benign. Review status: criteria provided, multiple submitters, no conflicts (2 of 4 stars). 4 submissions from 4 submitters: Benign (3); Likely benign (1). Last evaluated 2026-02-03.

Conditions:
Dilated cardiomyopathy 1O (CMD1O). Also called: CARDIOMYOPATHY, DILATED, WITH VENTRICULAR TACHYCARDIA. Identifiers: Orphanet 154, MedGen C1837839, MONDO:0012062, OMIM 608569.

Allele frequency attached by ClinVar (database versions not stated): gnomAD exomes 0.00007 and 0.00016; ExAC 0.00021; ESP Exome Variant Server 0.00046; gnomAD 0.00049 and 0.00050; TOPMed 0.00057; 1000 Genomes Project 0.00120; 1000 Genomes Project 30x 0.00141.
gnomAD v4.1: 184 of 1,612,780 alleles (0.011%); highest among the groups gnomAD compares: African/African-American, 0.17%; no homozygotes.

Submissions (4):

Labcorp Genetics (formerly Invitae), Labcorp
Classification: Benign for Dilated cardiomyopathy 1O. Last evaluated: 2026-02-03. Review status: criteria provided, single submitter. Criteria: Invitae Variant Classification Sherloc (09022015). Collection method: clinical testing. Allele origin: germline.

Women's Health and Genetics/Laboratory Corporation of America, LabCorp
Classification: Benign. Last evaluated: 2022-02-12. Review status: criteria provided, single submitter. Criteria: LabCorp Variant Classification Summary - May 2015. Collection method: clinical testing. Allele origin: germline.

ARUP Laboratories, Molecular Genetics and Genomics, ARUP Laboratories
Classification: Likely benign. Last evaluated: 2019-11-11. Review status: criteria provided, single submitter. Criteria: ARUP Molecular Germline Variant Investigation Process. Collection method: clinical testing. Allele origin: germline.

GeneDx
Classification: Benign. Last evaluated: 2015-06-25. Review status: criteria provided, single submitter. Criteria: GeneDx Variant Classification (06012015). Collection method: clinical testing. Allele origin: germline. Affected: yes.
Comment: This variant is considered likely benign or benign based on one or more of the following criteria: it is a conservative change, it occurs at a poorly conserved position in the protein, it is predicted to be benign by multiple in silico algorithms, and/or has population frequency not consistent with disease.